The following is an entry in ClinVar:

ClinVar aggregate classification (germline): Pathogenic/Likely pathogenic. Review status: criteria provided, multiple submitters, no conflicts (2 of 4 stars). 4 submissions from 4 submitters: Pathogenic (2); Likely pathogenic (2). Last evaluated 2026-08-28.

Conditions:
Retinitis pigmentosa 25 (RP25). Identifiers: Orphanet 791, MedGen C1864446, MONDO:0011272, OMIM 602772.

Submissions (4):

Myriad Genetics, Inc.
Classification: Pathogenic for Retinitis pigmentosa 25. Last evaluated: 2026-08-28. Review status: criteria provided, single submitter. Criteria: Myriad Autosomal Dominant, Autosomal Recessive and X-Linked Classification Criteria (2023). Collection method: clinical testing. Allele origin: unknown.
Comment: NM_001142800.1(EYS):c.2854dupT(C952Lfs*2) is a frameshift variant classified as pathogenic in the context of retinitis pigmentosa, EYS-related. C952Lfs*2 has not been observed in cases with relevant disease. Relevant functional assessments of this variant are not available in the literature. C952Lfs*2 has not been observed in referenced population frequency databases. In summary, NM_001142800.1(EYS):c.2854dupT(C952Lfs*2) is a frameshift variant in a gene where loss of function is a known mechanism of disease and is predicted to disrupt protein function. Please note: this variant was assessed in the context of healthy population screening.

Natera, Inc.
Classification: Likely pathogenic for Retinitis pigmentosa type 25. Last evaluated: 2024-06-03. Review status: criteria provided, single submitter. Criteria: Natera Variant Classification Schema (03/2026). Collection method: clinical testing. Allele origin: germline.
Comment: The c.2854dupT variant in EYS is a frameshift variant predicted to shift the reading frame beginning at codon 952 and leads to a stop codon 2 codons downstream. This variant is expected to result in nonsense mediated decay, truncation, or a dysfunctional protein product. This variant is rare in the general population with a frequency below the threshold expected for the associated phenotype(s). Given the available evidence, this variant is classified as Likely Pathogenic.

Baylor Genetics
Classification: Likely pathogenic for Retinitis pigmentosa 25. Last evaluated: 2024-02-11. Review status: criteria provided, single submitter. Criteria: ACMG Guidelines, 2015. Collection method: clinical testing. Allele origin: unknown.

Labcorp Genetics (formerly Invitae), Labcorp
Classification: Pathogenic. Last evaluated: 2024-01-31. Review status: criteria provided, single submitter. Criteria: Invitae Variant Classification Sherloc (09022015). Collection method: clinical testing. Allele origin: germline.
Comment: This sequence change creates a premature translational stop signal (p.Cys952Leufs*2) in the EYS gene. It is expected to result in an absent or disrupted protein product. Loss-of-function variants in EYS are known to be pathogenic (PMID: 18836446, 20333770). This variant is not present in population databases (gnomAD no frequency). This variant has not been reported in the literature in individuals affected with EYS-related conditions. ClinVar contains an entry for this variant (Variation ID: 1076670). For these reasons, this variant has been classified as Pathogenic.

Literature cited by the submitters: PubMed 18836446 (cited by Labcorp Genetics (formerly Invitae), Labcorp); PubMed 20333770 (cited by Labcorp Genetics (formerly Invitae), Labcorp).

NM_001142800.2(EYS):c.2854dup (p.Cys952fs)

Gene: EYS (EGF-like photoreceptor maintenance factor; minus strand). Cytogenetic location: 6q12.
Variant type: Duplication.
Coding change: c.2854dup on transcript NM_001142800.2 (MANE Select); coding-DNA position 2854, one base duplicated (T; older notation c.2854dupT).
Protein change: p.Cys952fs; shifts the reading frame from cysteine 952.
Molecular consequence: frameshift variant.
Genome position (GRCh38, 1-based): chr6:64,886,835, A duplicated on the plus strand (T on the coding strand, the reverse complement: EYS is on the minus strand); the first of 7 consecutive A bases (chr6:64,886,835-64,886,841); duplicating any one gives the same sequence. VCF-style (leftmost placement, unchanged base first): chr6-64886834-C-CA. GRCh37 (hg19) VCF-style: chr6-65596727-C-CA.
Other names: c.2854dup, p.Cys952fs (NM_001292009.2); c.2854dupT (NM_001142800.1); short protein forms C952fs.
Identifiers: ClinVar variation 1076670 (VCV001076670.11), dbSNP rs779877426, ClinGen allele CA140377025.